The following is an entry in ClinVar:

NM_182643.3(DLC1):c.2471A>G (p.Asn824Ser)

Gene: DLC1 (DLC1 Rho GTPase activating protein; minus strand). Cytogenetic location: 8p22.
Variant type: single nucleotide variant.
Coding change: c.2471A>G on transcript NM_182643.3 (MANE Select); coding-DNA position 2471, A replaced by G.
Protein change: p.Asn824Ser; replaces asparagine 824 with serine.
Molecular consequence: missense variant.
Genome position (GRCh38, 1-based): chr8:13,099,866, T>C on the plus strand (A>G on the coding strand, the complement: DLC1 is on the minus strand). VCF-style: chr8-13099866-T-C. GRCh37 (hg19) VCF-style: chr8-12957375-T-C.
Other names: c.938A>G, p.Asn313Ser (NM_001164271.2, NM_001348082.2, NM_001348083.1 and 6 more transcripts); c.1262A>G, p.Asn421Ser (NM_001316668.2, NM_001413129.1); c.2471A>G, p.Asn824Ser (NM_001348081.2, NM_001413124.1); c.1253A>G, p.Asn418Ser (NM_001413130.1); c.911A>G, p.Asn304Ser (NM_001413131.1, NM_001413137.1); c.1397A>G, p.Asn466Ser (NM_001413132.1); c.1160A>G, p.Asn387Ser (NM_001413135.1, NM_001413136.1, NM_001413139.1 and 1 more transcripts); c.1295A>G, p.Asn432Ser (NM_001413140.1); short protein forms N387S, N466S, N304S, N432S, N824S, N313S, N418S, N421S.
Identifiers: ClinVar variation 2081876 (VCV002081876.7), dbSNP rs369660947, ClinGen allele CA4638616.

ClinVar aggregate classification (germline): Uncertain significance. Review status: criteria provided, multiple submitters, no conflicts (2 of 4 stars). 3 submissions from 3 submitters: Uncertain significance (3). Last evaluated 2025-07-09.

Conditions:
Colorectal cancer. Also called: Malignant Colorectal Neoplasm; Colorectal cancer, somatic. Identifiers: MedGen C0346629, MONDO:0005575, OMIM 114500.

Allele frequency attached by ClinVar (database versions not stated): gnomAD exomes 0.00018; ExAC 0.00022; TOPMed 0.00022; ESP Exome Variant Server 0.00023; gnomAD 0.00025.
gnomAD v4.1: 297 of 1,614,048 alleles (0.018%); highest among the groups gnomAD compares: Middle Eastern, 0.033%; no homozygotes.

Submissions (3):

Labcorp Genetics (formerly Invitae), Labcorp
Classification: Uncertain significance. Last evaluated: 2025-07-09. Review status: criteria provided, single submitter. Criteria: Invitae Variant Classification Sherloc (09022015). Collection method: clinical testing. Allele origin: germline.
Comment: This sequence change replaces asparagine, which is neutral and polar, with serine, which is neutral and polar, at codon 824 of the DLC1 protein (p.Asn824Ser). This variant is present in population databases (rs369660947, gnomAD 0.04%). This variant has not been reported in the literature in individuals affected with DLC1-related conditions. ClinVar contains an entry for this variant (Variation ID: 2081876). An algorithm developed to predict the effect of missense changes on protein structure and function outputs the following: PolyPhen-2: "Benign". The serine amino acid residue is found in multiple mammalian species, which suggests that this missense change does not adversely affect protein function. In summary, the available evidence is currently insufficient to determine the role of this variant in disease. Therefore, it has been classified as a Variant of Uncertain Significance.

Ambry Genetics
Classification: Uncertain significance. Last evaluated: 2024-11-27. Review status: criteria provided, single submitter. Criteria: Ambry Variant Classification Scheme 2023. Collection method: clinical testing. Allele origin: germline.

Fulgent Genetics
Classification: Uncertain significance for Colorectal cancer. Last evaluated: 2023-12-28. Review status: criteria provided, single submitter. Criteria: ACMG Guidelines, 2015. Collection method: clinical testing. Allele origin: germline.